The following is an entry in ClinVar:

ClinVar aggregate classification (germline): Benign. Review status: criteria provided, multiple submitters, no conflicts (2 of 4 stars). 3 submissions from 2 submitters: Benign (3). Last evaluated 2021-05-14.

Conditions:
Susceptibility to mononeuropathy of the median nerve, mild. Also called: CARPAL TUNNEL SYNDROME, SUSCEPTIBILITY TO. Identifiers: MedGen C3150596, MONDO:0013237, OMIM 613353.
Charcot-Marie-Tooth disease type 4C (CMT4C). Also called: CHARCOT-MARIE-TOOTH DISEASE, DEMYELINATING, AUTOSOMAL RECESSIVE, TYPE 4C; CMT 4C; Charcot-Marie-Tooth Neuropathy Type 4C (CMT4C); CHARCOT-MARIE-TOOTH DISEASE, DEMYELINATING, TYPE 4C; SH3TC2-Related Hereditary Motor and Sensory Neuropathy. Identifiers: Orphanet 99949, MedGen C1866636, MONDO:0011113, OMIM 601596.

Allele frequency attached by ClinVar (database versions not stated): TOPMed 0.21828; gnomAD 0.22189 and 0.22548.

Submissions (3):

GeneDx
Classification: Benign. Last evaluated: 2021-05-14. Review status: criteria provided, single submitter. Criteria: GeneDx Variant Classification Process June 2021. Collection method: clinical testing. Allele origin: germline. Affected: yes.

Illumina Laboratory Services, Illumina
Classification: Benign for Charcot-Marie-Tooth disease type 4C. Last evaluated: 2018-01-13. Review status: criteria provided, single submitter. Criteria: ICSL Variant Classification Criteria 13 December 2019. Collection method: clinical testing. Allele origin: germline.
Comment: This variant was observed in the ICSL laboratory as part of a predisposition screen in an ostensibly healthy population. It had not been previously curated by ICSL or reported in the Human Gene Mutation Database (HGMD: prior to June 1st, 2018), and was therefore a candidate for classification through an automated scoring system. Utilizing variant allele frequency, disease prevalence and penetrance estimates, and inheritance mode, an automated score was calculated to assess if this variant is too frequent to cause the disease. Based on the score and internal cut-off values, a variant classified as benign is not then subjected to further curation. The score for this variant resulted in a classification of benign for this disease.

Illumina Laboratory Services, Illumina
Classification: Benign for Susceptibility to mononeuropathy of the median nerve, mild. Last evaluated: 2018-01-13. Review status: criteria provided, single submitter. Criteria: ICSL Variant Classification Criteria 13 December 2019. Collection method: clinical testing. Allele origin: germline.
Comment: the same text as in the submission from Illumina Laboratory Services, Illumina above.

NM_024577.4(SH3TC2):c.*2956C>T

Gene: SH3TC2 (SH3 domain and tetratricopeptide repeats 2; minus strand). Cytogenetic location: 5q32.
Variant type: single nucleotide variant.
Coding change: c.*2956C>T on transcript NM_024577.4 (MANE Select); 2956 bases downstream of the stop codon, C replaced by T.
Molecular consequence: 3 prime UTR variant.
Genome position (GRCh38, 1-based): chr5:149,001,755, G>A on the plus strand (C>T on the coding strand, the complement: SH3TC2 is on the minus strand). VCF-style: chr5-149001755-G-A. GRCh37 (hg19) VCF-style: chr5-148381318-G-A.
Identifiers: ClinVar variation 351848 (VCV000351848.8), dbSNP rs3763020, ClinGen allele CA10620715.